The following is an entry in ClinVar:

ClinVar aggregate classification (germline): Uncertain significance (1 of 4 stars; one submission).

Submission:

CeGaT Center for Human Genetics Tuebingen
Classification: Uncertain significance. Last evaluated: 2024-01-01. Review status: criteria provided, single submitter. Criteria: CeGaT Center For Human Genetics Tuebingen Variant Classification Criteria Version 2. Collection method: clinical testing. Allele origin: germline. Affected: yes. Observed: 1 variant allele.
Comment: EIF2S3: PM2

NM_001415.4(EIF2S3):c.281C>G (p.Pro94Arg)

Gene: EIF2S3 (eukaryotic translation initiation factor 2 subunit gamma; plus strand). Cytogenetic location: Xp22.11.
Variant type: single nucleotide variant.
Coding change: c.281C>G on transcript NM_001415.4 (MANE Select); coding-DNA position 281, C replaced by G.
Protein change: p.Pro94Arg; replaces proline 94 with arginine.
Molecular consequence: missense variant.
Genome position (GRCh38, 1-based): chrX:24,057,652, C>G. VCF-style: chrX-24057652-C-G. GRCh37 (hg19) VCF-style: chrX-24075769-C-G.
Other names: short protein forms P94R.
Identifiers: ClinVar variation 3026823 (VCV003026823.22), dbSNP rs2518572419, ClinGen allele CA412594338.